The following is an entry in ClinVar:

NM_080680.3(COL11A2):c.2363T>G (p.Leu788Arg)

Gene: COL11A2 (collagen type XI alpha 2 chain; minus strand). Cytogenetic location: 6p21.32.
Variant type: single nucleotide variant.
Coding change: c.2363T>G on transcript NM_080680.3 (MANE Select); coding-DNA position 2363, T replaced by G.
Protein change: p.Leu788Arg; replaces leucine 788 with arginine.
Molecular consequence: missense variant.
Genome position (GRCh38, 1-based): chr6:33,175,587, A>C on the plus strand (T>G on the coding strand, the complement: COL11A2 is on the minus strand). VCF-style: chr6-33175587-A-C. GRCh37 (hg19) VCF-style: chr6-33143364-A-C.
Other names: c.2183T>G, p.Leu728Arg (NM_001424108.1); c.1517T>G, p.Leu506Arg (NM_001424109.1); c.1337T>G, p.Leu446Arg (NM_001424110.1, NM_001424111.1); c.317T>G, p.Leu106Arg (NM_001424112.1); c.2042T>G, p.Leu681Arg (NM_080679.3); c.2105T>G, p.Leu702Arg (NM_080681.3); short protein forms L681R, L702R, L728R, L788R, L106R, L446R, L506R.
Identifiers: ClinVar variation 3635254 (VCV003635254.2).

ClinVar aggregate classification (germline): Uncertain significance (1 of 4 stars; one submission).

gnomAD v4.1: 1 of 1,612,662 alleles (0.000062%); highest among the groups gnomAD compares: Non-Finnish European, 0.000085%; no homozygotes.

Submission:

Labcorp Genetics (formerly Invitae), Labcorp
Classification: Uncertain significance. Last evaluated: 2024-11-21. Review status: criteria provided, single submitter. Criteria: Invitae Variant Classification Sherloc (09022015). Collection method: clinical testing. Allele origin: germline.
Comment: This sequence change replaces leucine, which is neutral and non-polar, with arginine, which is basic and polar, at codon 788 of the COL11A2 protein (p.Leu788Arg). This variant is not present in population databases (gnomAD no frequency). This variant has not been reported in the literature in individuals affected with COL11A2-related conditions. Invitae Evidence Modeling of protein sequence and biophysical properties (such as structural, functional, and spatial information, amino acid conservation, physicochemical variation, residue mobility, and thermodynamic stability) indicates that this missense variant is not expected to disrupt COL11A2 protein function with a negative predictive value of 95%. In summary, the available evidence is currently insufficient to determine the role of this variant in disease. Therefore, it has been classified as a Variant of Uncertain Significance.